The following is an entry in ClinVar:

ClinVar aggregate classification (germline): Benign. Review status: criteria provided, multiple submitters, no conflicts (2 of 4 stars). 5 submissions from 5 submitters: Benign (5). Last evaluated 2026-02-04.

Conditions:
Dihydropteridine reductase deficiency (HPABH4C). Also called: HYPERPHENYLALANINEMIA, TETRAHYDROBIOPTERIN-DEFICIENT, DUE TO DHPR DEFICIENCY; BH4-Deficient Hyperphenylalaninemia C; Hyperphenylalaninemia due to dihydropteridine reductase deficiency; Hyperphenylalaninemia, BH-4-deficient, C; Phenylketonuria type 2; DHPR DEFICIENCY. Identifiers: Orphanet 226, Orphanet 238583, MedGen C0268465, MONDO:0009862, OMIM 261630.

Allele frequency attached by ClinVar (database versions not stated): gnomAD 0.06567; ESP Exome Variant Server 0.04144; TOPMed 0.08237; 1000 Genomes Project 30x 0.14257; 1000 Genomes Project 0.14836.
gnomAD v4.1: 73,370 of 1,614,044 alleles (4.5%); highest among the groups gnomAD compares: East Asian, 47%; 7,465 homozygotes.

Submissions (5):

Labcorp Genetics (formerly Invitae), Labcorp
Classification: Benign for Dihydropteridine reductase deficiency. Last evaluated: 2026-02-04. Review status: criteria provided, single submitter. Criteria: Invitae Variant Classification Sherloc (09022015). Collection method: clinical testing. Allele origin: germline.

Mayo Clinic Laboratories, Mayo Clinic
Classification: Benign. Last evaluated: 2021-04-07. Review status: criteria provided, single submitter. Criteria: ACMG Guidelines, 2015. Collection method: clinical testing. Allele origin: germline. Observed: 2 variant alleles.

GeneDx
Classification: Benign. Last evaluated: 2018-12-09. Review status: criteria provided, single submitter. Criteria: GeneDx Variant Classification Process June 2021. Collection method: clinical testing. Allele origin: germline. Affected: yes.

Illumina Laboratory Services, Illumina
Classification: Benign for Dihydropteridine reductase deficiency. Last evaluated: 2018-01-12. Review status: criteria provided, single submitter. Criteria: ICSL Variant Classification Criteria 13 December 2019. Collection method: clinical testing. Allele origin: germline.
Comment: This variant was observed in the ICSL laboratory as part of a predisposition screen in an ostensibly healthy population. It had not been previously curated by ICSL or reported in the Human Gene Mutation Database (HGMD: prior to June 1st, 2018), and was therefore a candidate for classification through an automated scoring system. Utilizing variant allele frequency, disease prevalence and penetrance estimates, and inheritance mode, an automated score was calculated to assess if this variant is too frequent to cause the disease. Based on the score and internal cut-off values, a variant classified as benign is not then subjected to further curation. The score for this variant resulted in a classification of benign for this disease.

Breakthrough Genomics
Classification: Benign. Review status: criteria provided, single submitter. Criteria: ACMG Guidelines, 2015. Collection method: not provided. Allele origin: germline. Inheritance: Autosomal recessive inheritance. Affected: yes.

NM_000320.3(QDPR):c.345G>A (p.Ser115=)

Gene: QDPR (quinoid dihydropteridine reductase; minus strand). Cytogenetic location: 4p15.32.
Variant type: single nucleotide variant.
Coding change: c.345G>A on transcript NM_000320.3 (MANE Select); coding-DNA position 345, G replaced by A.
Protein change: p.Ser115=; no amino-acid change (serine 115 retained).
Molecular consequence: synonymous variant. On other transcripts: non-coding transcript variant (1).
Genome position (GRCh38, 1-based): chr4:17,501,810, C>T on the plus strand (G>A on the coding strand, the complement: QDPR is on the minus strand). VCF-style: chr4-17501810-C-T. GRCh37 (hg19) VCF-style: chr4-17503433-C-T.
Other names: p.Ser115=; c.252G>A, p.Ser84= (NM_001306140.2).
Identifiers: ClinVar variation 348157 (VCV000348157.16), dbSNP rs3733570, ClinGen allele CA2868142.